The following is an entry in ClinVar:

NM_005862.3(STAG1):c.2183C>G (p.Ala728Gly)

Gene: STAG1 (STAG1 cohesin complex component; minus strand). Cytogenetic location: 3q22.3.
Variant type: single nucleotide variant.
Coding change: c.2183C>G on transcript NM_005862.3 (MANE Select); coding-DNA position 2183, C replaced by G.
Protein change: p.Ala728Gly; replaces alanine 728 with glycine.
Molecular consequence: missense variant.
Genome position (GRCh38, 1-based): chr3:136,417,898, G>C on the plus strand (C>G on the coding strand, the complement: STAG1 is on the minus strand). VCF-style: chr3-136417898-G-C. GRCh37 (hg19) VCF-style: chr3-136136740-G-C.
Other names: short protein forms A728G.
Identifiers: ClinVar variation 3657909 (VCV003657909.2).

ClinVar aggregate classification (germline): Uncertain significance (1 of 4 stars; one submission).

gnomAD v4.1: 1 of 1,613,246 alleles (0.000062%); highest among the groups gnomAD compares: African/African-American, 0.0013%; no homozygotes.

Submission:

Labcorp Genetics (formerly Invitae), Labcorp
Classification: Uncertain significance. Last evaluated: 2024-06-26. Review status: criteria provided, single submitter. Criteria: Invitae Variant Classification Sherloc (09022015). Collection method: clinical testing. Allele origin: germline.
Comment: This sequence change replaces alanine, which is neutral and non-polar, with glycine, which is neutral and non-polar, at codon 728 of the STAG1 protein (p.Ala728Gly). This variant is not present in population databases (gnomAD no frequency). This variant has not been reported in the literature in individuals affected with STAG1-related conditions. Advanced modeling of protein sequence and biophysical properties (such as structural, functional, and spatial information, amino acid conservation, physicochemical variation, residue mobility, and thermodynamic stability) performed at Invitae indicates that this missense variant is not expected to disrupt STAG1 protein function with a negative predictive value of 80%. In summary, the available evidence is currently insufficient to determine the role of this variant in disease. Therefore, it has been classified as a Variant of Uncertain Significance.